The following is an entry in ClinVar:

NM_001267550.2(TTN):c.80338C>T (p.Pro26780Ser)

Genes: TTN (titin; minus strand), TTN-AS1 (TTN antisense RNA 1; plus strand). Cytogenetic location: 2q31.2.
Variant type: single nucleotide variant.
Coding change: c.80338C>T on transcript NM_001267550.2 (MANE Select); coding-DNA position 80338, C replaced by T.
Protein change: p.Pro26780Ser; replaces proline 26780 with serine.
Molecular consequence: missense variant.
Genome position (GRCh38, 1-based): chr2:178,565,794, G>A on the plus strand (C>T on the coding strand, the complement: TTN is on the minus strand). VCF-style: chr2-178565794-G-A. GRCh37 (hg19) VCF-style: chr2-179430521-G-A.
Other names: c.75415C>T, p.Pro25139Ser (NM_001256850.1); c.53143C>T, p.Pro17715Ser (NM_003319.4); c.72634C>T, p.Pro24212Ser (NM_133378.4); c.53518C>T, p.Pro17840Ser (NM_133432.3); c.53719C>T, p.Pro17907Ser (NM_133437.4); short protein forms P17715S, P17840S, P17907S, P24212S, P25139S, P26780S.
Identifiers: ClinVar variation 4537161 (VCV004537161.1).

ClinVar aggregate classification (germline): Uncertain significance (1 of 4 stars; one submission).

Submission:

Women's Health and Genetics/Laboratory Corporation of America, LabCorp
Classification: Uncertain significance. Last evaluated: 2025-11-03. Review status: criteria provided, single submitter. Criteria: LabCorp Variant Classification Summary - May 2015. Collection method: clinical testing. Allele origin: germline.
Comment: Variant summary: TTN c.72634C>T (p.Pro24212Ser) results in a non-conservative amino acid change in the encoded protein sequence. Algorithms developed to predict the effect of missense changes on protein structure and function are either unavailable or do not agree on the potential impact of this missense change. The variant was absent in 248440 control chromosomes. The available data on variant occurrences in the general population are insufficient to allow any conclusion about variant significance. c.72634C>T has been observed in individual(s) affected with Dilated Cardiomyopathy (example: Haskell_2017). These report(s) do not provide unequivocal conclusions about association of the variant with Dilated Cardiomyopathy. To our knowledge, no experimental evidence demonstrating an impact on protein function has been reported. The following publication has been ascertained in the context of this evaluation (PMID: 28611029). No submitters have cited clinical-significance assessments for this variant to ClinVar. Based on the evidence outlined above, the variant was classified as uncertain significance.

Literature cited by the submitters: PubMed 28611029.